The following is an entry in ClinVar:

NM_152222.2(RELT):c.1013G>C (p.Arg338Pro)

Gene: RELT (RELT TNF receptor; plus strand). Cytogenetic location: 11q13.4.
Variant type: single nucleotide variant.
Coding change: c.1013G>C on transcript NM_152222.2 (MANE Select); coding-DNA position 1013, G replaced by C.
Protein change: p.Arg338Pro; replaces arginine 338 with proline.
Molecular consequence: missense variant.
Genome position (GRCh38, 1-based): chr11:73,394,701, G>C. VCF-style: chr11-73394701-G-C. GRCh37 (hg19) VCF-style: chr11-73105746-G-C.
Other names: c.1037G>C, p.Arg346Pro (NM_001425248.1); c.1010G>C, p.Arg337Pro (NM_001425249.1); c.1013G>C, p.Arg338Pro (NM_001425250.1, NM_032871.4); c.965G>C, p.Arg322Pro (NM_001425251.1); c.755G>C, p.Arg252Pro (NM_001425253.1); short protein forms R252P, R322P, R337P, R338P, R346P.
Identifiers: ClinVar variation 3050139 (VCV003050139.2), dbSNP rs147659360, ClinGen allele CA6178841.

ClinVar aggregate classification (germline): Likely benign (0 of 4 stars; one submission).

Conditions:
RELT-related disorder. Also called: RELT-related condition.

Allele frequency attached by ClinVar (database versions not stated): ESP Exome Variant Server 0.00277; 1000 Genomes Project 0.00040; 1000 Genomes Project 30x 0.00047.

Submission:

PreventionGenetics, part of Exact Sciences
Classification: Likely benign for RELT-related condition. Last evaluated: 2022-02-18. Review status: no assertion criteria provided. Collection method: clinical testing. Allele origin: germline.
Comment: This variant is classified as likely benign based on ACMG/AMP sequence variant interpretation guidelines (Richards et al. 2015 PMID: 25741868, with internal and published modifications).